The following is an entry in ClinVar:

NM_020988.3(GNAO1):c.67C>T (p.Leu23Phe)

Gene: GNAO1 (G protein subunit alpha o1; plus strand). Cytogenetic location: 16q13.
Variant type: single nucleotide variant.
Coding change: c.67C>T on transcript NM_020988.3 (MANE Select); coding-DNA position 67, C replaced by T.
Protein change: p.Leu23Phe; replaces leucine 23 with phenylalanine.
Molecular consequence: missense variant.
Genome position (GRCh38, 1-based): chr16:56,192,302, C>T. VCF-style: chr16-56192302-C-T. GRCh37 (hg19) VCF-style: chr16-56226214-C-T.
Other names: c.67C>T, p.Leu23Phe (NM_138736.3); short protein forms L23F.
Identifiers: ClinVar variation 1721121 (VCV001721121.5), dbSNP rs2506529497, ClinGen allele CA396128439.

ClinVar aggregate classification (germline): Likely pathogenic (1 of 4 stars; one submission).

Conditions:
Early-infantile DEE. Also called: Early infantile epileptic encephalopathy with suppression bursts; Early infantile epileptic encephalopathy; Ohtahara syndrome. Identifiers: Orphanet 1934, MedGen C0393706, MONDO:0800491.

Submission:

Labcorp Genetics (formerly Invitae), Labcorp
Classification: Likely pathogenic for Early-infantile DEE. Last evaluated: 2026-01-26. Review status: criteria provided, single submitter. Criteria: Invitae Variant Classification Sherloc (09022015). Collection method: clinical testing. Allele origin: germline.
Comment: This sequence change replaces leucine, which is neutral and non-polar, with phenylalanine, which is neutral and non-polar, at codon 23 of the GNAO1 protein (p.Leu23Phe). This variant is not present in population databases (gnomAD no frequency). This variant has not been reported in the literature in individuals affected with GNAO1-related conditions. ClinVar contains an entry for this variant (Variation ID: 1721121). Invitae Evidence Modeling of protein sequence and biophysical properties (such as structural, functional, and spatial information, amino acid conservation, physicochemical variation, residue mobility, and thermodynamic stability) indicates that this missense variant is expected to disrupt GNAO1 protein function with a positive predictive value of 95%. This variant disrupts the p.Leu23 amino acid residue in GNAO1. Other variant(s) that disrupt this residue have been determined to be pathogenic (PMID: 35722775, 38358016). This suggests that this residue is clinically significant, and that variants that disrupt this residue are likely to be disease-causing. In summary, the currently available evidence indicates that the variant is pathogenic, but additional data are needed to prove that conclusively. Therefore, this variant has been classified as Likely Pathogenic.

Literature cited by the submitters: PubMed 35722775; PubMed 38358016.